The following is an entry in ClinVar:

NM_001378418.1(TCF20):c.2533T>A (p.Phe845Ile)

Gene: TCF20 (transcription factor 20; minus strand). Cytogenetic location: 22q13.2.
Variant type: single nucleotide variant.
Coding change: c.2533T>A on transcript NM_001378418.1 (MANE Select); coding-DNA position 2533, T replaced by A.
Protein change: p.Phe845Ile; replaces phenylalanine 845 with isoleucine.
Molecular consequence: missense variant.
Genome position (GRCh38, 1-based): chr22:42,212,773, A>T on the plus strand (T>A on the coding strand, the complement: TCF20 is on the minus strand). VCF-style: chr22-42212773-A-T. GRCh37 (hg19) VCF-style: chr22-42608779-A-T.
Other names: c.2533T>A, p.Phe845Ile (NM_005650.4, NM_181492.3); short protein forms F845I.
Identifiers: ClinVar variation 4771879 (VCV004771879.1).

ClinVar aggregate classification (germline): Uncertain significance (1 of 4 stars; one submission).

gnomAD v4.1: 1 of 1,614,080 alleles (0.000062%); highest among the groups gnomAD compares: Admixed American, 0.0017%; no homozygotes.

Submission:

Labcorp Genetics (formerly Invitae), Labcorp
Classification: Uncertain significance. Last evaluated: 2025-04-26. Review status: criteria provided, single submitter. Criteria: Invitae Variant Classification Sherloc (09022015). Collection method: clinical testing. Allele origin: germline.
Comment: This sequence change replaces phenylalanine, which is neutral and non-polar, with isoleucine, which is neutral and non-polar, at codon 845 of the TCF20 protein (p.Phe845Ile). This variant is present in population databases (rs750265746, gnomAD 0.003%). This variant has not been reported in the literature in individuals affected with TCF20-related conditions. An algorithm developed to predict the effect of missense changes on protein structure and function (PolyPhen-2) suggests that this variant is likely to be disruptive. In summary, the available evidence is currently insufficient to determine the role of this variant in disease. Therefore, it has been classified as a Variant of Uncertain Significance.